The following is an entry in ClinVar:

ClinVar aggregate classification (germline): Pathogenic (1 of 4 stars; one submission).

Conditions:
Glycogen storage disease due to muscle and heart glycogen synthase deficiency. Also called: GSD 0b; MUSCLE GLYCOGEN SYNTHASE DEFICIENCY. Identifiers: Orphanet 137625, MedGen C1969054, MONDO:0012693, OMIM 611556.

Submission:

Labcorp Genetics (formerly Invitae), Labcorp
Classification: Pathogenic for Glycogen storage disease due to muscle and heart glycogen synthase deficiency. Last evaluated: 2024-02-22. Review status: criteria provided, single submitter. Criteria: Invitae Variant Classification Sherloc (09022015). Collection method: clinical testing. Allele origin: germline.
Comment: This sequence change creates a premature translational stop signal (p.Gln168*) in the GYS1 gene. It is expected to result in an absent or disrupted protein product. Loss-of-function variants in GYS1 are known to be pathogenic (PMID: 17928598, 19699667). This variant is not present in population databases (gnomAD no frequency). This variant has not been reported in the literature in individuals affected with GYS1-related conditions. Algorithms developed to predict the effect of sequence changes on RNA splicing suggest that this variant may disrupt the consensus splice site. For these reasons, this variant has been classified as Pathogenic.

Literature cited by the submitters: PubMed 17928598; PubMed 19699667.

NM_002103.5(GYS1):c.502C>T (p.Gln168Ter)

Gene: GYS1 (glycogen synthase 1; minus strand). Cytogenetic location: 19q13.33.
Variant type: single nucleotide variant.
Coding change: c.502C>T on transcript NM_002103.5 (MANE Select); coding-DNA position 502, C replaced by T.
Protein change: p.Gln168Ter; replaces glutamine 168 with a stop codon.
Molecular consequence: nonsense. On other transcripts: non-coding transcript variant (1).
Genome position (GRCh38, 1-based): chr19:48,986,026, G>A on the plus strand (C>T on the coding strand, the complement: GYS1 is on the minus strand). VCF-style: chr19-48986026-G-A. GRCh37 (hg19) VCF-style: chr19-49489283-G-A.
Other names: c.310C>T, p.Gln104Ter (NM_001161587.2); short protein forms Q104*, Q168*.
Identifiers: ClinVar variation 3618810 (VCV003618810.2).